The following is an entry in ClinVar:

ClinVar aggregate classification (germline): Uncertain significance (1 of 4 stars; one submission).

Submission:

Labcorp Genetics (formerly Invitae), Labcorp
Classification: Uncertain significance. Last evaluated: 2022-12-24. Review status: criteria provided, single submitter. Criteria: Invitae Variant Classification Sherloc (09022015). Collection method: clinical testing. Allele origin: germline.
Comment: This variant has not been reported in the literature in individuals affected with ROBO2-related conditions. This sequence change replaces histidine, which is basic and polar, with arginine, which is basic and polar, at codon 160 of the ROBO2 protein (p.His160Arg). This variant is not present in population databases (gnomAD no frequency). Advanced modeling of protein sequence and biophysical properties (such as structural, functional, and spatial information, amino acid conservation, physicochemical variation, residue mobility, and thermodynamic stability) performed at Invitae indicates that this missense variant is not expected to disrupt ROBO2 protein function. In summary, the available evidence is currently insufficient to determine the role of this variant in disease. Therefore, it has been classified as a Variant of Uncertain Significance.

NM_001395656.1(ROBO2):c.479A>G (p.His160Arg)

Gene: ROBO2 (roundabout guidance receptor 2; plus strand). Cytogenetic location: 3p12.3.
Variant type: single nucleotide variant.
Coding change: c.479A>G on transcript NM_001395656.1 (MANE Select); coding-DNA position 479, A replaced by G.
Protein change: p.His160Arg; replaces histidine 160 with arginine.
Molecular consequence: missense variant. On other transcripts: 5 prime UTR variant (1).
Genome position (GRCh38, 1-based): chr3:77,477,504, A>G. VCF-style: chr3-77477504-A-G. GRCh37 (hg19) VCF-style: chr3-77526655-A-G.
Other names: c.527A>G, p.His176Arg (NM_001128929.3, NM_001378190.1, NM_001378191.1 and 5 more transcripts); c.479A>G, p.His160Arg (NM_001290039.2, NM_001290040.2, NM_001378193.1 and 3 more transcripts); c.-1440A>G (NM_001290065.2); c.548A>G, p.His183Arg (NM_001378192.1, NM_001378194.1, NM_001378198.1 and 5 more transcripts); short protein forms H183R, H160R, H176R.
Identifiers: ClinVar variation 2823931 (VCV002823931.3), dbSNP rs2548251415, ClinGen allele CA353574543.